The following is an entry in ClinVar:

NM_000501.4(ELN):c.1045G>C (p.Ala349Pro)

Gene: ELN (elastin; plus strand). Cytogenetic location: 7q11.23.
Variant type: single nucleotide variant.
Coding change: c.1045G>C on transcript NM_000501.4 (MANE Select); coding-DNA position 1045, G replaced by C.
Protein change: p.Ala349Pro; replaces alanine 349 with proline.
Molecular consequence: missense variant.
Genome position (GRCh38, 1-based): chr7:74,053,258, G>C. VCF-style: chr7-74053258-G-C. GRCh37 (hg19) VCF-style: chr7-73467588-G-C.
Other names: c.1015G>C, p.Ala339Pro (NM_001081752.3, NM_001278917.2); c.1060G>C, p.Ala354Pro (NM_001081753.3, NM_001081754.3); c.1045G>C, p.Ala349Pro (NM_001081755.3, NM_001278912.2, NM_001278915.2 and 1 more transcripts); c.937G>C, p.Ala313Pro (NM_001278913.2); c.1030G>C, p.Ala344Pro (NM_001278914.2); c.1003G>C, p.Ala335Pro (NM_001278916.2); c.913G>C, p.Ala305Pro (NM_001278918.2); short protein forms A305P, A313P, A335P, A339P, A344P, A349P, A354P.
Identifiers: ClinVar variation 3604790 (VCV003604790.2).
Genomic context (GRCh38, chr7:74,053,258, plus strand): 5'-TTTGGCCCGGGAGTAGTTGGTGTCCCAGGAGCTGGCGTTCCAGGTGTTGGTGTCCCAGGA[G>C]CTGGGATTCCAGTTGTCCCAGGTGCTGGGATCCCAGGTGCTGCGGTTCCAGGTGAGCTGG-3'
Protein context (NP_000492.2, residues 339-359): AGVPGVGVPG[Ala349Pro]GIPVVPGAGI

ClinVar aggregate classification (germline): Uncertain significance (1 of 4 stars; one submission).

Conditions:
Supravalvar aortic stenosis (SVAS). Also called: Supravalvar aortic stenosis, Eisenberg type. Identifiers: Orphanet 3193, MedGen C0003499, MONDO:0008504, OMIM 185500, HP:0004381.

gnomAD v4.1: 5 of 1,613,960 alleles (0.00031%); highest among the groups gnomAD compares: Non-Finnish European, 0.00042%; no homozygotes.

Submission:

Labcorp Genetics (formerly Invitae), Labcorp
Classification: Uncertain significance for Supravalvar aortic stenosis. Last evaluated: 2024-06-26. Review status: criteria provided, single submitter. Criteria: Invitae Variant Classification Sherloc (09022015). Collection method: clinical testing. Allele origin: germline.
Comment: This sequence change replaces alanine, which is neutral and non-polar, with proline, which is neutral and non-polar, at codon 349 of the ELN protein (p.Ala349Pro). This variant is not present in population databases (gnomAD no frequency). This variant has not been reported in the literature in individuals affected with ELN-related conditions. Advanced modeling of protein sequence and biophysical properties (such as structural, functional, and spatial information, amino acid conservation, physicochemical variation, residue mobility, and thermodynamic stability) performed at Invitae indicates that this missense variant is not expected to disrupt ELN protein function with a negative predictive value of 80%. In summary, the available evidence is currently insufficient to determine the role of this variant in disease. Therefore, it has been classified as a Variant of Uncertain Significance.